The following is an entry in ClinVar:

GRCh38/hg38 1q44(chr1:244051186-244055631)x1

Gene: ZBTB18 (zinc finger and BTB domain containing 18; plus strand). Cytogenetic location: 1q44.
Variant type: copy number loss.
Change: copy number 1 (one copy instead of two) of chr1:244,051,186-244,055,631 (4.4 kb, GRCh38 coordinates, 1-based), cytogenetic band 1q44.
Identifiers: ClinVar variation 2579278 (VCV002579278.1).

ClinVar aggregate classification (germline): Pathogenic (1 of 4 stars; one submission).

Conditions:
Intellectual developmental disorder, autosomal dominant 22. Also called: Intellectual disability, autosomal dominant 22. Identifiers: MedGen CN029689, MONDO:0012869, OMIM 612337.

Submission:

Broad Center for Mendelian Genomics, Broad Institute of MIT and Harvard
Classification: Pathogenic for Intellectual developmental disorder, autosomal dominant 22. Last evaluated: 2023-08-24. Review status: criteria provided, single submitter. Criteria: ACMG/ClinGen CNV Guidelines, 2019. Collection method: research. Allele origin: de novo. Inheritance: Autosomal dominant inheritance. Affected: yes.
Comment: These breakpoints have been estimated by exome sequencing only and therefore may not reflect the true breakpoints. The patient phenotype is nonspecific, but is consistent with cases described in the literature and/or published databases with overlapping variants. Thedeletion includes the 5’ end and the two coding exons of the ZBTB18 gene). This alteration is then predicted to lead to a truncated or absent protein as NMD is expected to occur. The ZBTB18 gene is known to be haploinsufficient and has been assessed by the ClinGen Dosage Sensitivity Working Group. In summary, this variant meets criteria to be classified as pathogenic for autosomal dominant intellectual development disorder. The ACMG/ClinGen evidence codes and points used in this curation are as follows: 1: 0 points, 2: 1.00 points, 3: 0 points, 4-5: 0.15 points; Total: 1.15 points; Riggs 2020 (PMID: 31690835)